The following is an entry in ClinVar:

ClinVar aggregate classification (germline): Uncertain significance (1 of 4 stars; one submission).

Conditions:
Immunodeficiency, common variable, 7. Identifiers: Orphanet 1572, Orphanet 696894, MedGen C3542922, MONDO:0013862, OMIM 614699.

Allele frequency attached by ClinVar (database versions not stated): gnomAD 0.00001; gnomAD exomes below 0.00001; TOPMed below 0.00001.
gnomAD v4.1: 4 of 1,613,908 alleles (0.00025%); highest among the groups gnomAD compares: Non-Finnish European, 0.00034%; no homozygotes.

Submission:

Labcorp Genetics (formerly Invitae), Labcorp
Classification: Uncertain significance for Immunodeficiency, common variable, 7. Last evaluated: 2022-12-01. Review status: criteria provided, single submitter. Criteria: Invitae Variant Classification Sherloc (09022015). Collection method: clinical testing. Allele origin: germline.
Comment: In summary, the available evidence is currently insufficient to determine the role of this variant in disease. Therefore, it has been classified as a Variant of Uncertain Significance. Algorithms developed to predict the effect of missense changes on protein structure and function output the following: SIFT: "Tolerated"; PolyPhen-2: "Benign"; Align-GVGD: "Class C0". The asparagine amino acid residue is found in multiple mammalian species, which suggests that this missense change does not adversely affect protein function. This variant has not been reported in the literature in individuals affected with CR2-related conditions. This variant is not present in population databases (gnomAD no frequency). This sequence change replaces aspartic acid, which is acidic and polar, with asparagine, which is neutral and polar, at codon 1017 of the CR2 protein (p.Asp1017Asn).

NM_001006658.3(CR2):c.3049G>A (p.Asp1017Asn)

Gene: CR2 (complement C3d receptor 2; plus strand). Cytogenetic location: 1q32.2.
Variant type: single nucleotide variant.
Coding change: c.3049G>A on transcript NM_001006658.3 (MANE Select); coding-DNA position 3049, G replaced by A.
Protein change: p.Asp1017Asn; replaces aspartic acid 1017 with asparagine.
Molecular consequence: missense variant.
Genome position (GRCh38, 1-based): chr1:207,478,031, G>A. VCF-style: chr1-207478031-G-A. GRCh37 (hg19) VCF-style: chr1-207651376-G-A.
Other names: c.2872G>A, p.Asp958Asn (NM_001877.5); short protein forms D1017N, D958N.
Identifiers: ClinVar variation 2004365 (VCV002004365.4), dbSNP rs1314658125, ClinGen allele CA344541776.